The following is an entry in ClinVar:

NM_001318895.3(FHL2):c.462T>G (p.Tyr154Ter)

Genes: C2orf49 (chromosome 2 open reading frame 49; plus strand), FHL2 (four and a half LIM domains 2; minus strand). Cytogenetic location: 2q12.2.
Variant type: single nucleotide variant.
Coding change: c.462T>G on transcript NM_001318895.3 (MANE Select); coding-DNA position 462, T replaced by G.
Protein change: p.Tyr154Ter; replaces tyrosine 154 with a stop codon.
Molecular consequence: nonsense.
Genome position (GRCh38, 1-based): chr2:105,367,609, A>C on the plus strand (T>G on the coding strand, the complement: FHL2 is on the minus strand). VCF-style: chr2-105367609-A-C. GRCh37 (hg19) VCF-style: chr2-105984066-A-C.
Other names: c.462T>G (NM_201555.2); c.462T>G, p.Tyr154Ter (NM_001039492.3, NM_001318894.1, NM_001318896.2 and 4 more transcripts); c.120T>G, p.Tyr40Ter (NM_001318897.2, NM_001318898.2); c.138T>G, p.Tyr46Ter (NM_001318899.2); short protein forms Y46*, Y154*, Y40*.
Identifiers: ClinVar variation 2151478 (VCV002151478.6), dbSNP rs397517960, ClinGen allele CA347999573.
Genomic context (GRCh38, chr2:105,367,609, plus strand): 5'-CCAAGGGGGCATCTGAGATACCTTTTTGCACTGAACGCACTGCATGGCATGTTGTTTCTC[A>C]TAGCAGGGCACACAGAAATTCTGATTGTCTTTGGGGATGAAACTCTTGGTTCCAATTGGC-3'

ClinVar aggregate classification (germline): Uncertain significance. Review status: criteria provided, multiple submitters, no conflicts (2 of 4 stars). 2 submissions from 2 submitters: Uncertain significance (2). Last evaluated 2025-02-23.

Conditions:
Primary dilated cardiomyopathy (DCM). Also called: Dilated Cardiomyopathy. Identifiers: Orphanet 217604, MedGen C0007193, MeSH D002311, MONDO:0005021, HP:0001644. Inheritance: Various modes of inheritance.

gnomAD v4.1: 5 of 1,614,152 alleles (0.00031%); highest among the groups gnomAD compares: Non-Finnish European, 0.00034%; no homozygotes.

Submissions (2):

Labcorp Genetics (formerly Invitae), Labcorp
Classification: Uncertain significance for Primary dilated cardiomyopathy. Last evaluated: 2025-02-23. Review status: criteria provided, single submitter. Criteria: Invitae Variant Classification Sherloc (09022015). Collection method: clinical testing. Allele origin: germline.
Comment: This sequence change creates a premature translational stop signal (p.Tyr154*) in the FHL2 gene. It is expected to result in an absent or disrupted protein product. However, the current clinical and genetic evidence is not sufficient to establish whether loss-of-function variants in FHL2 cause disease. This variant is not present in population databases (gnomAD no frequency). This variant has not been reported in the literature in individuals affected with FHL2-related conditions. ClinVar contains an entry for this variant (Variation ID: 2151478). In summary, the available evidence is currently insufficient to determine the role of this variant in disease. Therefore, it has been classified as a Variant of Uncertain Significance.

Revvity Omics, Revvity
Classification: Uncertain significance. Last evaluated: 2022-06-17. Review status: criteria provided, single submitter. Criteria: ACMG Guidelines, 2015. Collection method: clinical testing. Allele origin: germline.